The following is an entry in ClinVar:

NM_006996.3(SLC19A2):c.104C>T (p.Ala35Val)

Genes: SLC19A2 (solute carrier family 19 member 2; minus strand), LOC129931894 (ATAC-STARR-seq lymphoblastoid silent region 1546; plus strand). Cytogenetic location: 1q24.2.
Variant type: single nucleotide variant.
Coding change: c.104C>T on transcript NM_006996.3 (MANE Select); coding-DNA position 104, C replaced by T.
Protein change: p.Ala35Val; replaces alanine 35 with valine.
Molecular consequence: missense variant.
Genome position (GRCh38, 1-based): chr1:169,485,663, G>A on the plus strand (C>T on the coding strand, the complement: SLC19A2 is on the minus strand). VCF-style: chr1-169485663-G-A. GRCh37 (hg19) VCF-style: chr1-169454901-G-A.
Other names: c.104C>T, p.Ala35Val (NM_001319667.1); short protein forms A35V.
Identifiers: ClinVar variation 1526293 (VCV001526293.10), dbSNP rs756487822, ClinGen allele CA1233152.
Genomic context (GRCh38, chr1:169,485,663, plus strand): 5'-GGGGTCAGGAAGGGCTCGGACGGCCTGAGGCTGGCGAAGAAGCCGTAGGCGCAGAGCAGC[G>A]CGGTCGGCAAGAACCAGCATTCGCGACGGACCCGAGCGGTCCGCAGGAGCACAGTGGCCG-3'
Protein context (NP_008927.1, residues 25-45): VRRECWFLPT[Ala35Val]LLCAYGFFAS

ClinVar aggregate classification (germline): Conflicting classifications of pathogenicity. Review status: criteria provided, conflicting classifications (1 of 4 stars). 4 submissions from 4 submitters: Uncertain significance (3); Likely benign (1). Last evaluated 2025-10-28.

Conditions:
Inborn genetic diseases. Identifiers: MedGen C0950123, MeSH D030342.
Megaloblastic anemia, thiamine-responsive, with diabetes mellitus and sensorineural deafness (TRMA). Also called: ROGERS SYNDROME; THIAMINE-RESPONSIVE ANEMIA SYNDROME; THIAMINE-RESPONSIVE MYELODYSPLASIA; THIAMINE METABOLISM DYSFUNCTION SYNDROME 1 (MEGALOBLASTIC ANEMIA, DIABETES MELLITUS, AND DEAFNESS TYPE); Thiamine-Responsive Megaloblastic Anemia Syndrome. Identifiers: Orphanet 49827, MedGen C0342287, MONDO:0009575, OMIM 249270.

Allele frequency attached by ClinVar (database versions not stated): gnomAD 0.00001; gnomAD exomes 0.00004 and 0.00011; TOPMed 0.00006.
gnomAD v4.1: 22 of 1,553,202 alleles (0.0014%); highest among the groups gnomAD compares: Admixed American, 0.043%; no homozygotes.

Submissions (4):

Labcorp Genetics (formerly Invitae), Labcorp
Classification: Likely benign. Last evaluated: 2025-10-28. Review status: criteria provided, single submitter. Criteria: Invitae Variant Classification Sherloc (09022015). Collection method: clinical testing. Allele origin: germline.

Ambry Genetics
Classification: Uncertain significance for Inborn genetic diseases. Last evaluated: 2025-04-27. Review status: criteria provided, single submitter. Criteria: Ambry Variant Classification Scheme 2023. Collection method: clinical testing. Allele origin: germline.

Fulgent Genetics
Classification: Uncertain significance for Megaloblastic anemia, thiamine-responsive, with diabetes mellitus and sensorineural deafness. Last evaluated: 2024-02-28. Review status: criteria provided, single submitter. Criteria: ACMG Guidelines, 2015. Collection method: clinical testing. Allele origin: germline.

GeneDx
Classification: Uncertain significance. Last evaluated: 2022-03-24. Review status: criteria provided, single submitter. Criteria: GeneDx Variant Classification Process June 2021. Collection method: clinical testing. Allele origin: germline. Affected: yes.
Comment: In silico analysis supports that this missense variant does not alter protein structure/function; Has not been previously published as pathogenic or benign to our knowledge